The following is an entry in ClinVar:

NM_020066.5(FMN2):c.3294T>A (p.Pro1098=)

Gene: FMN2 (formin 2; plus strand). Cytogenetic location: 1q43.
Variant type: single nucleotide variant.
Coding change: c.3294T>A on transcript NM_020066.5 (MANE Select); coding-DNA position 3294, T replaced by A.
Protein change: p.Pro1098=; no amino-acid change (proline 1098 retained).
Molecular consequence: synonymous variant. On other transcripts: intron variant (1).
Genome position (GRCh38, 1-based): chr1:240,208,106, T>A. VCF-style: chr1-240208106-T-A. GRCh37 (hg19) VCF-style: chr1-240371406-T-A.
Other names: c.3294T>A (NM_020066.4); c.3306T>A, p.Pro1102= (NM_001305424.2); c.1986+19844T>A (NM_001348094.2).
Identifiers: ClinVar variation 2640179 (VCV002640179.25), dbSNP rs1476162096, ClinGen allele CA424385635.

ClinVar aggregate classification (germline): Likely benign. Review status: criteria provided, single submitter (1 of 4 stars). 2 submissions from 2 submitters: Likely benign (1). 1 of the submissions does not count toward it. Last evaluated 2022-12-01.

Conditions:
FMN2-related disorder. Also called: FMN2-related condition.

Submissions (2):

CeGaT Center for Human Genetics Tuebingen
Classification: Likely benign. Last evaluated: 2022-12-01. Review status: criteria provided, single submitter. Criteria: CeGaT Center For Human Genetics Tuebingen Variant Classification Criteria Version 2. Collection method: clinical testing. Allele origin: germline. Affected: yes. Observed: 1 variant allele.
Comment: FMN2: BP4, BP7

PreventionGenetics, part of Exact Sciences
Classification: Likely benign for FMN2-related condition. Last evaluated: 2024-09-26. Review status: no assertion criteria provided. Collection method: clinical testing. Allele origin: germline. Not counted in ClinVar's aggregate classification.
Comment: This variant is classified as likely benign based on ACMG/AMP sequence variant interpretation guidelines (Richards et al. 2015 PMID: 25741868, with internal and published modifications).